The following is an entry in ClinVar:

NM_000262.3(NAGA):c.402_403del (p.Leu135fs)

Genes: NAGA (alpha-N-acetylgalactosaminidase; minus strand), LOC126863160 (CDK7 strongly-dependent group 2 enhancer GRCh37_chr22:42462918-42464117; plus strand). Cytogenetic location: 22q13.2.
Variant type: Microsatellite.
Coding change: c.402_403del on transcript NM_000262.3 (MANE Select); coding-DNA positions 402 to 403, 2 bases deleted (AC; older notation c.402_403delAC).
Protein change: p.Leu135fs; shifts the reading frame from leucine 135.
Molecular consequence: frameshift variant.
Genome position (GRCh38, 1-based): chr22:42,067,212-42,067,213, GT deleted on the plus strand (AC on the coding strand, the reverse complement: NAGA is on the minus strand); deleting any 2 consecutive bases within chr22:42,067,212-42,067,216 gives the same sequence; the c. name uses the placement nearest the transcript's 3' end. VCF-style (leftmost placement, unchanged base first): chr22-42067211-AGT-A. GRCh37 (hg19) VCF-style: chr22-42463215-AGT-A.
Other names: c.402_403del, p.Leu135fs (NM_001362848.1, NM_001362850.1); short protein forms L135fs.
Identifiers: ClinVar variation 2863502 (VCV002863502.3), dbSNP rs2519064275, ClinGen allele CA2739267998.

ClinVar aggregate classification (germline): Pathogenic (1 of 4 stars; one submission).

Conditions:
Alpha-N-acetylgalactosaminidase deficiency type 1. Also called: NAGA DEFICIENCY, TYPE I; NEUROAXONAL DYSTROPHY, SCHINDLER TYPE; SCHINDLER DISEASE, TYPE I; ALPHA-N-ACETYLGALACTOSAMINIDASE DEFICIENCY, TYPE I. Identifiers: Orphanet 3137, Orphanet 79279, Orphanet 79281, MedGen C1836544, MONDO:0012221, OMIM 609241.

Submission:

Labcorp Genetics (formerly Invitae), Labcorp
Classification: Pathogenic for Alpha-N-acetylgalactosaminidase deficiency type 1. Last evaluated: 2023-05-11. Review status: criteria provided, single submitter. Criteria: Invitae Variant Classification Sherloc (09022015). Collection method: clinical testing. Allele origin: germline.
Comment: This variant has not been reported in the literature in individuals affected with NAGA-related conditions. This variant is not present in population databases (gnomAD no frequency). This sequence change creates a premature translational stop signal (p.Leu135Glyfs*58) in the NAGA gene. It is expected to result in an absent or disrupted protein product. Loss-of-function variants in NAGA are known to be pathogenic (PMID: 8782044, 11251574). For these reasons, this variant has been classified as Pathogenic.

Literature cited by the submitters: PubMed 8782044; PubMed 11251574.